The following is an entry in ClinVar:

ClinVar aggregate classification (germline): Uncertain significance (1 of 4 stars; one submission).

Conditions:
Developmental and epileptic encephalopathy, 72. Also called: EPILEPTIC ENCEPHALOPATHY, EARLY INFANTILE, 72. Identifiers: MedGen C5193063, MONDO:0032710, OMIM 618374.

Submission:

Clinical Genomics Laboratory, Washington University in St. Louis
Classification: Uncertain significance for Developmental and epileptic encephalopathy, 72. Last evaluated: 2025-11-13. Review status: criteria provided, single submitter. Criteria: ACMG Guidelines, 2015. Collection method: clinical testing. Allele origin: germline.
Comment: The NEUROD2 c.937C>T (p.Gln313*) variant, to our knowledge, has not been reported in the medical literature. This variant is absent from the general population (gnomAD v2.1.1), indicating that it is not a common variant. This variant leads to a premature termination codon that is not predicted to result in nonsense-mediated decay; however, loss of function is not the known disease mechanism. Due to limited information, and based on ACMG/AMP guidelines for variant interpretation (Richards S et al., PMID: 25741868), the clinical significance of this variant is uncertain at this time.

NM_006160.4(NEUROD2):c.937C>T (p.Gln313Ter)

Gene: NEUROD2 (neuronal differentiation 2; minus strand). Cytogenetic location: 17q12.
Variant type: single nucleotide variant.
Coding change: c.937C>T on transcript NM_006160.4 (MANE Select); coding-DNA position 937, C replaced by T.
Protein change: p.Gln313Ter; replaces glutamine 313 with a stop codon.
Molecular consequence: nonsense.
Genome position (GRCh38, 1-based): chr17:39,605,663, G>A on the plus strand (C>T on the coding strand, the complement: NEUROD2 is on the minus strand). VCF-style: chr17-39605663-G-A. GRCh37 (hg19) VCF-style: chr17-37761916-G-A.
Other names: short protein forms Q313*.
Identifiers: ClinVar variation 4879310 (VCV004879310.1).
Genomic context (GRCh38, chr17:39,605,663, plus strand): 5'-GCAGCGCCGAGTAGTGCATAGAGTAGTGGTAGCTTTTCTCGTGGTCGGGCGAGGAGTCCT[G>A]CTTGAGTGAGAAGTTGCCATTGAGACAGAGCGGGGGGCTGAGCGGGCCCTCGTACTCGGA-3'